The following is an entry in ClinVar:

ClinVar aggregate classification (germline): Pathogenic. Review status: reviewed by expert panel (3 of 4 stars). 10 submissions from 10 submitters: Pathogenic (1). 9 of the submissions do not count toward it. Last evaluated 2023-11-14.

Conditions:
X-linked severe combined immunodeficiency (SCIDX1). Also called: IMMUNODEFICIENCY 4; SCID, X-LINKED; SEVERE COMBINED IMMUNODEFICIENCY, X-LINKED, T CELL-NEGATIVE, B CELL-POSITIVE, NK CELL-NEGATIVE; T-B+ severe combined immunodeficiency due to gamma chain deficiency; X-Linked Combined Immunodeficiency Diseases. Identifiers: Orphanet 276, MedGen C6022468, MONDO:0010315, OMIM 300400. Disease mechanism: loss of function.
Combined immunodeficiency, X-linked (CIDX). Also called: IMMUNODEFICIENCY 6. Identifiers: MedGen C6022467, MONDO:0010730, OMIM 312863.

Submissions (10):

ClinGen Severe Combined Immunodeficiency Variant Curation Expert Panel, ClinGen
Classification: Pathogenic for X-linked severe combined immunodeficiency. Last evaluated: 2023-11-14. Review status: reviewed by expert panel. Criteria: ClinGen SCID ACMG Specifications IL2RG V1.0.0. Collection method: curation. Allele origin: germline. Inheritance: X-linked inheritance.
Comment: The NM_000206.3(IL2RG):c.676C>T (p.Arg226Cys) missense variant resides within a CpG dinucleotide region, cDNA 676-677 encoding amino acid R226, of IL2RG that is defined as a mutational hotspot (PMID: 7668284; PM1_Strong). This variant is absent from gnomAD v2.1.1 (PM2_Supporting). In a second case, the R226C variant arose de novo as a somatic mutation early in embryogenesis in the mother of the patient, 1 pt, PM6_Moderate (PMID: 23683512). At least eight additional male X-SCID patients have been reported (PMIDs: 9058718, 11129345, 22936741, 7668284) with this hemizygous variant (total 4.5pt; PS4). PMID: 7632950 Examined the mutant 7 chain distribution by confocal microscopy in transiently transfected COS-7 cells, comparing it with the wild-type 7 chain distribution. The mutant 7 chain could not be detected by an antihuman IL-2 receptor 7 chain monoclonal antibody, TUGh4, on the cell surface of the transfected COS-7 cells. This result was in sharp contrast to that obtained with the wild-type γ chain, which was clearly stained by TUGh4 on the transfected cells. PS3_Supporting is met. In summary, this variant meets the criteria to be classified as Pathogenic for X-linked T-B+ severe combined immunodeficiency due to gamma chain deficiency based on the ACMG/AMP criteria applied, as specified by the ClinGen SCID VCEP. Criteria applied: PS4, PM1_Strong, PM6_Moderate, PM2_Supporting, PS3_Supporting, and PP4. (VCEP specifications version 1).

Women's Health and Genetics/Laboratory Corporation of America, LabCorp
Classification: Pathogenic for X-linked severe combined immunodeficiency. Last evaluated: 2025-05-23. Review status: criteria provided, single submitter. Criteria: LabCorp Variant Classification Summary - May 2015. Collection method: clinical testing. Allele origin: germline. Not counted in ClinVar's aggregate classification.
Comment: Variant summary: IL2RG c.676C>T (p.Arg226Cys) results in a non-conservative amino acid change in the encoded protein sequence. Algorithms developed to predict the effect of missense changes on protein structure and function all suggest that this variant is likely to be disruptive. The variant was absent in 183420 control chromosomes (gnomAD). c.676C>T has been observed in multiple individuals affected with X-Linked Severe Combined Immunodeficiency (Pepper_1995, Yao_2013). These data indicate that the variant is very likely to be associated with disease. A different variant affecting the same codon has been classified as pathogenic by our lab (c.677G>A, p.Arg226His), supporting the critical relevance of codon 226 to IL2RG protein function. The following publications have been ascertained in the context of this evaluation (PMID: 7668284, 23250629). ClinVar contains an entry for this variant (Variation ID: 225195). Based on the evidence outlined above, the variant was classified as pathogenic.

Labcorp Genetics (formerly Invitae), Labcorp
Classification: Pathogenic for X-linked severe combined immunodeficiency. Last evaluated: 2025-03-31. Review status: criteria provided, single submitter. Criteria: Invitae Variant Classification Sherloc (09022015). Collection method: clinical testing. Allele origin: germline. Not counted in ClinVar's aggregate classification.
Comment: This sequence change replaces arginine, which is basic and polar, with cysteine, which is neutral and slightly polar, at codon 226 of the IL2RG protein (p.Arg226Cys). This variant is not present in population databases (gnomAD no frequency). This missense change has been observed in individual(s) with SCID (PMID: 7668284, 9058718, 14966353, 22039266, 23683512). In at least one individual the variant was observed to be de novo. ClinVar contains an entry for this variant (Variation ID: 225195). Invitae Evidence Modeling of protein sequence and biophysical properties (such as structural, functional, and spatial information, amino acid conservation, physicochemical variation, residue mobility, and thermodynamic stability) indicates that this missense variant is expected to disrupt IL2RG protein function with a positive predictive value of 95%. For these reasons, this variant has been classified as Pathogenic.

Neuberg Centre For Genomic Medicine, NCGM
Classification: Pathogenic for X-linked severe combined immunodeficiency. Last evaluated: 2023-06-22. Review status: criteria provided, single submitter. Criteria: ACMG Guidelines, 2015. Collection method: clinical testing. Allele origin: germline. Inheritance: X-linked recessive inheritance. Affected: yes. Not counted in ClinVar's aggregate classification.
Comment: The observed missense variant c.676C>T(p.Arg226Cys) in IL2RG gene has been reported previously in individual(s) with SCID. A different missense variant [c.677G>A; p.Arg226His] at the same position has been previously reported as pathogenic (Recher M, et al, 2011; Dong W, et al., 2023). Functional characterization of the variant indicate that the p.Arg226Cys substitution (referred to as p.Arg204Cys in the literature) results in the lack of cell surface expression of the IL2 receptor gamma chain (Kumaki S, et al., 1995). This variant is absent in the gnomAD Exomes. This variant has been reported to the ClinVar database as Pathogenic. The amino acid Arg at position 226 is changed to a Cys changing protein sequence and it might alter its composition and physico-chemical properties. Multiple lines of computational evidence (Polyphen - Possibly damaging, SIFT – Damaging and MutationTaster - Disease causing) predict a damaging effect on protein structure and function for this variant. The residue is conserved by GERP++ and PhyloP across 100 vertebrates. For these reasons, this variant has been classified as Pathogenic.

GeneDx
Classification: Pathogenic. Last evaluated: 2023-03-15. Review status: criteria provided, single submitter. Criteria: GeneDx Variant Classification Process June 2021. Collection method: clinical testing. Allele origin: germline. Affected: yes. Not counted in ClinVar's aggregate classification.
Comment: Published functional studies demonstrate variant impairs expression of the IL2RG protein (Kumaki et al., 1995); Not observed in large population cohorts (gnomAD); In silico analysis supports that this missense variant has a deleterious effect on protein structure/function; This variant is associated with the following publications: (PMID: 8299698, 8956936, 10444186, 32265911, 30778343, 7668284, 7632950, 9058718, 9921912, 11213805, 22832027, 28780374, 23683512, 30273710, 14966353, 32888943, 36007526, 35874699, 9399950)

Rady Children's Institute for Genomic Medicine, Rady Children's Hospital San Diego
Classification: Pathogenic for COMBINED IMMUNODEFICIENCY, X-LINKED. Last evaluated: 2018-11-21. Review status: criteria provided, single submitter. Criteria: ACMG Guidelines, 2015. Collection method: clinical testing. Allele origin: germline. Affected: yes. Observed: 1 variant allele. Not counted in ClinVar's aggregate classification.
Comment: The c.676C>T, p.Arg226Cys has previously been reported in the literature as pathogenic (PMID: 7668284, 23683512) and by clinical laboratories in ClinVar as associated with X-linked SCID. Missense variants at the same codon (R226H) have also been identified in patients with SCID (PMID: 7668284). Functional characterization of the variant indicate that the p.Arg226Cys substitution (referred to as p.Arg204Cys in the literature) results in the lack of cell surface expression of the IL2 receptor gamma chain (PMID: 7632950). There are no reports of the variant in the population allele frequency database, gnomAD, thus the variant is presumed rare. The variant results in a non-conservative amino acid change at a conserved residue, and in silico protein models predict a damaging effect on protein function. Based on the combined evidence, this variant is classified as pathogenic.

Fulgent Genetics
Classification: Pathogenic for X-linked severe combined immunodeficiency; Combined immunodeficiency, X-linked. Last evaluated: 2018-10-31. Review status: criteria provided, single submitter. Criteria: ACMG Guidelines, 2015. Collection method: clinical testing. Allele origin: unknown. Not counted in ClinVar's aggregate classification.

Juno Genomics, Hangzhou Juno Genomics, Inc
Classification: Pathogenic for Combined immunodeficiency, X-linked; X-linked severe combined immunodeficiency. Review status: criteria provided, single submitter. Criteria: ACMG Guidelines, 2015. Collection method: clinical testing. Allele origin: germline. Affected: yes. Not counted in ClinVar's aggregate classification.
Comment: Absent from controls (or at extremely low frequency if recessive) in Genome Aggregation Database, Exome Sequencing Project, 1000 Genomes Project, or Exome Aggregation Consortium.;Novel missense change at an amino acid residue where a different missense change determined to be pathogenic has been seen before.;Well-established in vitro or in vivo functional studies supportive of a damaging effect on the gene or gene product.;The prevalence of the variant in affected individuals is significantly increased compared to the prevalence in controls.;Assumed de novo, but without confirmation of paternity and maternity.;Patient's phenotype or family history is highly specific for a disease with a single genetic etiology.

Laboratory of Research in Genomics, Genetics and Bioinformatics, Hospital Infantil de Mexico Federico Gomez
Classification: Pathogenic for X-linked severe combined immunodeficiency. Last evaluated: 2025-04-08. Review status: no assertion criteria provided. Collection method: research. Allele origin: germline. Affected: yes. Not counted in ClinVar's aggregate classification.

Counsyl
Classification: Pathogenic for X-linked severe combined immunodeficiency. Last evaluated: 2018-03-12. Review status: no assertion criteria provided. Collection method: clinical testing. Allele origin: unknown. Not counted in ClinVar's aggregate classification.

Literature cited by the submitters: PubMed 7632950 (cited by ClinGen Severe Combined Immunodeficiency Variant Curation Expert Panel, ClinGen and Counsyl); PubMed 7668284 (cited by Women's Health and Genetics/Laboratory Corporation of America, LabCorp and Labcorp Genetics (formerly Invitae), Labcorp); PubMed 23250629 (cited by Women's Health and Genetics/Laboratory Corporation of America, LabCorp); PubMed 9058718 (cited by Labcorp Genetics (formerly Invitae), Labcorp and Counsyl); PubMed 14966353 (cited by Labcorp Genetics (formerly Invitae), Labcorp and Counsyl); PubMed 22039266 (cited by Labcorp Genetics (formerly Invitae), Labcorp); PubMed 23683512 (cited by Labcorp Genetics (formerly Invitae), Labcorp and Counsyl); PubMed 18641513 (cited by Counsyl); PubMed 25869287 (cited by Counsyl); PubMed 28747913 (cited by Counsyl).

NM_000206.3(IL2RG):c.676C>T (p.Arg226Cys)

Gene: IL2RG (interleukin 2 receptor subunit gamma; minus strand). Cytogenetic location: Xq13.1.
Variant type: single nucleotide variant.
Coding change: c.676C>T on transcript NM_000206.3 (MANE Select); coding-DNA position 676, C replaced by T.
Protein change: p.Arg226Cys; replaces arginine 226 with cysteine.
Molecular consequence: missense variant.
Genome position (GRCh38, 1-based): chrX:71,109,309, G>A on the plus strand (C>T on the coding strand, the complement: IL2RG is on the minus strand). VCF-style: chrX-71109309-G-A. GRCh37 (hg19) VCF-style: chrX-70329159-G-A.
Other names: NM_000206.3(IL2RG):c.676C>T.
Identifiers: ClinVar variation 225195 (VCV000225195.22), dbSNP rs869320659, ClinGen allele CA358784.
Genomic context (GRCh38, chrX:71,109,309, plus strand): 5'-AGTGGATTGGGTGGCTCCATTCACTCCAATGCTGAGCACTTCCACAGAGTGGGTTAAAGC[G>A]GCTCCGAACACGAAACGTGTAGCGTTTCTGCCCATCCACACTAGGCAAGGAGAACTTATG-3'
Protein context (NP_000197.1, residues 216-236): QKRYTFRVRS[Arg226Cys]FNPLCGSAQH